The following is an entry in ClinVar:

NM_004104.5(FASN):c.1274G>T (p.Arg425Leu)

Gene: FASN (fatty acid synthase; minus strand). Cytogenetic location: 17q25.3.
Variant type: single nucleotide variant.
Coding change: c.1274G>T on transcript NM_004104.5 (MANE Select); coding-DNA position 1274, G replaced by T.
Protein change: p.Arg425Leu; replaces arginine 425 with leucine.
Molecular consequence: missense variant.
Genome position (GRCh38, 1-based): chr17:82,091,440, C>A on the plus strand (G>T on the coding strand, the complement: FASN is on the minus strand). VCF-style: chr17-82091440-C-A. GRCh37 (hg19) VCF-style: chr17-80049316-C-A.
Other names: short protein forms R425L.
Identifiers: ClinVar variation 2146500 (VCV002146500.4), dbSNP rs747164236, ClinGen allele CA8853206.
Genomic context (GRCh38, chr17:82,091,440, plus strand): 5'-CTGTGCCGGAGGCCCTGCTCCAGCAGCTTCTGCACGGCCTCAGGGGTGCGTCCGCTGGCC[C>A]GCAGCAGACGGGGCAGGGTGGCATGTGGGGCGGGTGCGGGGGGCGGCTGCGTGTTGGGCC-3'
Protein context (NP_004095.4, residues 415-435): APHATLPRLL[Arg425Leu]ASGRTPEAVQ

ClinVar aggregate classification (germline): Uncertain significance (1 of 4 stars; one submission).

Conditions:
Epileptic encephalopathy. Identifiers: MedGen C0543888, HP:0200134.

Submission:

Labcorp Genetics (formerly Invitae), Labcorp
Classification: Uncertain significance for Epileptic encephalopathy. Last evaluated: 2025-01-22. Review status: criteria provided, single submitter. Criteria: Invitae Variant Classification Sherloc (09022015). Collection method: clinical testing. Allele origin: germline.
Comment: This sequence change replaces arginine, which is basic and polar, with leucine, which is neutral and non-polar, at codon 425 of the FASN protein (p.Arg425Leu). The frequency data for this variant in the population databases is considered unreliable, as metrics indicate poor data quality at this position in the gnomAD database. This variant has not been reported in the literature in individuals affected with FASN-related conditions. ClinVar contains an entry for this variant (Variation ID: 2146500). An algorithm developed to predict the effect of missense changes on protein structure and function outputs the following: PolyPhen-2: "Benign". The leucine amino acid residue is found in multiple mammalian species, which suggests that this missense change does not adversely affect protein function. In summary, the available evidence is currently insufficient to determine the role of this variant in disease. Therefore, it has been classified as a Variant of Uncertain Significance.